The following is an entry in ClinVar:

NM_001256071.3(RNF213):c.14429G>C (p.Arg4810Thr)

Genes: RNF213 (ring finger protein 213; plus strand), RNF213-AS1 (RNF213 antisense RNA 1; minus strand). Cytogenetic location: 17q25.3.
Variant type: single nucleotide variant.
Coding change: c.14429G>C on transcript NM_001256071.3 (MANE Select); coding-DNA position 14429, G replaced by C.
Protein change: p.Arg4810Thr; replaces arginine 4810 with threonine.
Molecular consequence: missense variant.
Genome position (GRCh38, 1-based): chr17:80,385,145, G>C. VCF-style: chr17-80385145-G-C. GRCh37 (hg19) VCF-style: chr17-78358945-G-C.
Other names: c.14576G>C, p.Arg4859Thr (NM_001410195.1, NM_020914.5); short protein forms R4810T, R4859T.
Identifiers: ClinVar variation 3602345 (VCV003602345.1).

ClinVar aggregate classification (germline): Uncertain significance (1 of 4 stars; one submission).

gnomAD v4.1: 3 of 1,614,200 alleles (0.00019%); highest among the groups gnomAD compares: East Asian, 0.0045%; no homozygotes.

Submission:

GeneDx
Classification: Uncertain significance. Last evaluated: 2024-07-29. Review status: criteria provided, single submitter. Criteria: GeneDx Variant Classification Process June 2021. Collection method: clinical testing. Allele origin: germline. Affected: yes.
Comment: Has not been previously published as pathogenic or benign to our knowledge; In silico analysis supports that this missense variant has a deleterious effect on protein structure/function; This variant is associated with the following publications: (PMID: 21048783, 22377813, 27253870, 27128593)